The following is an entry in ClinVar:

ClinVar aggregate classification (germline): Uncertain significance (1 of 4 stars; one submission).

Submission:

Labcorp Genetics (formerly Invitae), Labcorp
Classification: Uncertain significance. Last evaluated: 2025-11-11. Review status: criteria provided, single submitter. Criteria: Invitae Variant Classification Sherloc (09022015). Collection method: clinical testing. Allele origin: germline.
Comment: This variant, c.52_57dup, results in the insertion of 2 amino acid(s) of the KL protein (p.Ser18_Leu19dup), but otherwise preserves the integrity of the reading frame. The frequency data for this variant in the population databases is considered unreliable, as metrics indicate poor data quality at this position in the gnomAD database. This variant has not been reported in the literature in individuals affected with KL-related conditions. Experimental studies and prediction algorithms are not available or were not evaluated, and the functional significance of this variant is currently unknown. In summary, the available evidence is currently insufficient to determine the role of this variant in disease. Therefore, it has been classified as a Variant of Uncertain Significance.

NM_004795.4(KL):c.46TCGCTG[3] (p.16SL[3])

Gene: KL (klotho; plus strand). Cytogenetic location: 13q13.1.
Variant type: Microsatellite.
Coding change: c.46TCGCTG[3] on transcript NM_004795.4 (MANE Select); three copies in a row of the 6-base unit TCGCTG starting at c.46; the reference has two copies in a row; one copy, 6 bases duplicated.
Protein change: p.16SL[3].
Molecular consequence: inframe insertion.
Genome position (GRCh38, 1-based): chr13:33,016,492-33,016,497, TCGCTG duplicated; duplicating any 6 consecutive bases within chr13:33,016,485-33,016,497 gives the same sequence; the position shown is the placement nearest the transcript's 3' end. VCF-style (leftmost placement, unchanged base first): chr13-33016484-C-CGTCGCT. GRCh37 (hg19) VCF-style: chr13-33590622-C-CGTCGCT.
Identifiers: ClinVar variation 1446101 (VCV001446101.6), dbSNP rs767552117, ClinGen allele CA6943834.
Genomic context (GRCh38, chr13:33,016,484, plus strand): 5'-CCTGGCTCCCGCGCAGCATGCCCGCCAGCGCCCCGCCGCGCCGCCCGCGGCCGCCGCCGC[C>CGTCGCT]GTCGCTGTCGCTGCTGCTGGTGCTGCTGGGCCTGGGCGGCCGCCGCCTGCGTGCGGAGCC-3'